The following is an entry in ClinVar:

NM_006939.4(SOS2):c.2441T>G (p.Ile814Arg)

Gene: SOS2 (SOS Ras/Rho guanine nucleotide exchange factor 2; minus strand). Cytogenetic location: 14q21.3.
Variant type: single nucleotide variant.
Coding change: c.2441T>G on transcript NM_006939.4 (MANE Select); coding-DNA position 2441, T replaced by G.
Protein change: p.Ile814Arg; replaces isoleucine 814 with arginine.
Molecular consequence: missense variant.
Genome position (GRCh38, 1-based): chr14:50,145,540, A>C on the plus strand (T>G on the coding strand, the complement: SOS2 is on the minus strand). VCF-style: chr14-50145540-A-C. GRCh37 (hg19) VCF-style: chr14-50612258-A-C.
Other names: c.2342T>G, p.Ile781Arg (NM_001411020.1); short protein forms I781R, I814R.
Identifiers: ClinVar variation 2448242 (VCV002448242.5), dbSNP rs779987434, ClinGen allele CA7177028.

ClinVar aggregate classification (germline): Uncertain significance. Review status: criteria provided, multiple submitters, no conflicts (2 of 4 stars). 3 submissions from 3 submitters: Uncertain significance (3). Last evaluated 2025-01-13.

Conditions:
Noonan syndrome 9 (NS9). Identifiers: Orphanet 648, MedGen C4225282, MONDO:0014691, OMIM 616559.
Cardiovascular phenotype. Identifiers: MedGen CN230736.

Allele frequency attached by ClinVar (database versions not stated): ExAC 0.00001; gnomAD 0.00001; gnomAD exomes 0.00001; TOPMed 0.00001.
gnomAD v4.1: 16 of 1,610,770 alleles (0.00099%); highest among the groups gnomAD compares: Non-Finnish European, 0.0014%; no homozygotes.

Submissions (3):

Labcorp Genetics (formerly Invitae), Labcorp
Classification: Uncertain significance for Noonan syndrome 9. Last evaluated: 2025-01-13. Review status: criteria provided, single submitter. Criteria: Invitae Variant Classification Sherloc (09022015). Collection method: clinical testing. Allele origin: germline.
Comment: This sequence change replaces isoleucine, which is neutral and non-polar, with arginine, which is basic and polar, at codon 814 of the SOS2 protein (p.Ile814Arg). This variant is present in population databases (rs779987434, gnomAD 0.0009%). This variant has not been reported in the literature in individuals affected with SOS2-related conditions. ClinVar contains an entry for this variant (Variation ID: 2448242). Invitae Evidence Modeling of protein sequence and biophysical properties (such as structural, functional, and spatial information, amino acid conservation, physicochemical variation, residue mobility, and thermodynamic stability) indicates that this missense variant is not expected to disrupt SOS2 protein function with a negative predictive value of 95%. In summary, the available evidence is currently insufficient to determine the role of this variant in disease. Therefore, it has been classified as a Variant of Uncertain Significance.

Blueprint Genetics
Classification: Uncertain significance. Last evaluated: 2023-04-18. Review status: criteria provided, single submitter. Criteria: ACMG Guidelines, 2015. Collection method: clinical testing. Allele origin: germline.

Ambry Genetics
Classification: Uncertain significance for Cardiovascular phenotype. Last evaluated: 2022-11-10. Review status: criteria provided, single submitter. Criteria: Ambry Variant Classification Scheme 2023. Collection method: clinical testing. Allele origin: germline.
Comment: The p.I814R variant (also known as c.2441T>G), located in coding exon 15 of the SOS2 gene, results from a T to G substitution at nucleotide position 2441. The isoleucine at codon 814 is replaced by arginine, an amino acid with similar properties. This amino acid position is conserved. In addition, this alteration is predicted to be tolerated by in silico analysis. Since supporting evidence is limited at this time, the clinical significance of this alteration remains unclear.